The following is an entry in ClinVar:

ClinVar aggregate classification (germline): Uncertain significance (1 of 4 stars; one submission).

Submission:

Labcorp Genetics (formerly Invitae), Labcorp
Classification: Uncertain significance. Last evaluated: 2022-06-01. Review status: criteria provided, single submitter. Criteria: Invitae Variant Classification Sherloc (09022015). Collection method: clinical testing. Allele origin: germline.
Comment: This variant is not present in population databases (gnomAD no frequency). This sequence change replaces valine, which is neutral and non-polar, with alanine, which is neutral and non-polar, at codon 219 of the MPDZ protein (p.Val219Ala). This variant has not been reported in the literature in individuals affected with MPDZ-related conditions. In summary, the available evidence is currently insufficient to determine the role of this variant in disease. Therefore, it has been classified as a Variant of Uncertain Significance. Algorithms developed to predict the effect of missense changes on protein structure and function (SIFT, PolyPhen-2, Align-GVGD) all suggest that this variant is likely to be disruptive.

NM_001378778.1(MPDZ):c.656T>C (p.Val219Ala)

Gene: MPDZ (multiple PDZ domain crumbs cell polarity complex component; minus strand). Cytogenetic location: 9p23.
Variant type: single nucleotide variant.
Coding change: c.656T>C on transcript NM_001378778.1 (MANE Select); coding-DNA position 656, T replaced by C.
Protein change: p.Val219Ala; replaces valine 219 with alanine.
Molecular consequence: missense variant.
Genome position (GRCh38, 1-based): chr9:13,222,324, A>G on the plus strand (T>C on the coding strand, the complement: MPDZ is on the minus strand). VCF-style: chr9-13222324-A-G. GRCh37 (hg19) VCF-style: chr9-13222323-A-G.
Other names: c.656T>C, p.Val219Ala (NM_001261406.2, NM_001261407.2, NM_001330637.2 and 14 more transcripts); short protein forms V219A.
Identifiers: ClinVar variation 2001772 (VCV002001772.4), dbSNP rs2497501758, ClinGen allele CA372946748.